The following is an entry in ClinVar:

ClinVar aggregate classification (germline): Benign/Likely benign. Review status: criteria provided, multiple submitters, no conflicts (2 of 4 stars). 3 submissions from 3 submitters: Benign (1); Likely benign (1). 1 of the submissions does not count toward it. Last evaluated 2026-07-01.

Conditions:
DSCAM-related disorder. Also called: DSCAM-related condition.

Allele frequency attached by ClinVar (database versions not stated): gnomAD 0.00397 and 0.00400; ESP Exome Variant Server 0.00613; gnomAD exomes 0.00614 and 0.00393; 1000 Genomes Project 30x 0.00156; 1000 Genomes Project 0.00180; ExAC 0.00345; TOPMed 0.00374.
gnomAD v4.1: 9,708 of 1,614,238 alleles (0.6%); highest among the groups gnomAD compares: Non-Finnish European, 0.72%; 49 homozygotes.

Submissions (3):

CeGaT Center for Human Genetics Tuebingen
Classification: Likely benign. Last evaluated: 2026-07-01. Review status: criteria provided, single submitter. Criteria: CeGaT Center For Human Genetics Tuebingen Variant Classification Criteria Version 2. Collection method: clinical testing. Allele origin: germline. Affected: yes. Observed: 9 variant alleles.
Comment: DSCAM: BP4, BP7, BS2

Labcorp Genetics (formerly Invitae), Labcorp
Classification: Benign. Last evaluated: 2018-09-19. Review status: criteria provided, single submitter. Criteria: Invitae Variant Classification Sherloc (09022015). Collection method: clinical testing. Allele origin: germline.

PreventionGenetics, part of Exact Sciences
Classification: Benign for DSCAM-related condition. Last evaluated: 2021-06-17. Review status: no assertion criteria provided. Collection method: clinical testing. Allele origin: germline. Not counted in ClinVar's aggregate classification.
Comment: This variant is classified as benign based on ACMG/AMP sequence variant interpretation guidelines (Richards et al. 2015 PMID: 25741868, with internal and published modifications).

NM_001389.5(DSCAM):c.1728C>T (p.Asn576=)

Genes: DSCAM (DS cell adhesion molecule; minus strand), LOC126653376 (BRD4-independent group 4 enhancer GRCh37_chr21:41709903-41711102; plus strand). Cytogenetic location: 21q22.2.
Variant type: single nucleotide variant.
Coding change: c.1728C>T on transcript NM_001389.5 (MANE Select); coding-DNA position 1728, C replaced by T.
Protein change: p.Asn576=; no amino-acid change (asparagine 576 retained).
Molecular consequence: synonymous variant. On other transcripts: non-coding transcript variant (1).
Genome position (GRCh38, 1-based): chr21:40,338,156, G>A on the plus strand (C>T on the coding strand, the complement: DSCAM is on the minus strand). VCF-style: chr21-40338156-G-A. GRCh37 (hg19) VCF-style: chr21-41710083-G-A.
Other names: c.1728C>T, p.Asn576= (NM_001271534.3).
Identifiers: ClinVar variation 779390 (VCV000779390.28), dbSNP rs139863593, ClinGen allele CA10031443.
Genomic context (GRCh38, chr21:40,338,156, plus strand): 5'-CTTACCTTTCACGGTCACGTGGACGCTCTGGCTGGTGGAGAGTTGTGGTTGAACCAACAC[G>A]TTGCACGTGTACTCCCCCTCGTCCACTTCCTTTTGCACATCTGAAAGTTTAAGAGTTCCA-3'
Protein context (NP_001380.2, residues 566-586): KEVDEGEYTC[Asn576=]VLVQPQLSTS